The following is an entry in ClinVar:

NM_025132.4(WDR19):c.3833T>C (p.Ile1278Thr)

Gene: WDR19 (WD repeat domain 19; plus strand). Cytogenetic location: 4p14.
Variant type: single nucleotide variant.
Coding change: c.3833T>C on transcript NM_025132.4 (MANE Select); coding-DNA position 3833, T replaced by C.
Protein change: p.Ile1278Thr; replaces isoleucine 1278 with threonine.
Molecular consequence: missense variant.
Genome position (GRCh38, 1-based): chr4:39,277,136, T>C. VCF-style: chr4-39277136-T-C. GRCh37 (hg19) VCF-style: chr4-39278756-T-C.
Other names: c.3353T>C, p.Ile1118Thr (NM_001317924.2); short protein forms I1118T, I1278T.
Identifiers: ClinVar variation 1009978 (VCV001009978.6), dbSNP rs1250445688, ClinGen allele CA356652495.

ClinVar aggregate classification (germline): Uncertain significance (1 of 4 stars; one submission).

Conditions:
Senior-Loken syndrome 8 (SLSN8). Identifiers: Orphanet 3156, MedGen C4225376, MONDO:0014579, OMIM 616307.
Asphyxiating thoracic dystrophy 5 (SRTD5). Also called: SHORT-RIB THORACIC DYSPLASIA 5 WITH OR WITHOUT POLYDACTYLY; SHORT-RIB THORACIC DYSPLASIA 5 WITHOUT POLYDACTYLY. Identifiers: Orphanet 474, MedGen C3280598, MONDO:0013717, OMIM 614376.

Allele frequency attached by ClinVar (database versions not stated): gnomAD exomes below 0.00001; gnomAD 0.00001.
gnomAD v4.1: 4 of 1,607,024 alleles (0.00025%); highest among the groups gnomAD compares: East Asian, 0.0022%; no homozygotes.

Submission:

Labcorp Genetics (formerly Invitae), Labcorp
Classification: Uncertain significance for Senior-Loken syndrome 8; Asphyxiating thoracic dystrophy 5. Last evaluated: 2022-02-10. Review status: criteria provided, single submitter. Criteria: Invitae Variant Classification Sherloc (09022015). Collection method: clinical testing. Allele origin: germline.
Comment: This sequence change replaces isoleucine, which is neutral and non-polar, with threonine, which is neutral and polar, at codon 1278 of the WDR19 protein (p.Ile1278Thr). This variant is present in population databases (no rsID available, gnomAD 0.06%). This variant has not been reported in the literature in individuals affected with WDR19-related conditions. ClinVar contains an entry for this variant (Variation ID: 1009978). Algorithms developed to predict the effect of missense changes on protein structure and function (SIFT, PolyPhen-2, Align-GVGD) all suggest that this variant is likely to be disruptive. In summary, the available evidence is currently insufficient to determine the role of this variant in disease. Therefore, it has been classified as a Variant of Uncertain Significance.